The following is an entry in ClinVar:

NM_001286445.3(RIPOR2):c.1164+435T>A

Gene: RIPOR2 (RHO family interacting cell polarization regulator 2; minus strand). Cytogenetic location: 6p22.3.
Variant type: single nucleotide variant.
Coding change: c.1164+435T>A on transcript NM_001286445.3 (MANE Select); 435 bases into the intron after coding-DNA position 1164, T replaced by A.
Molecular consequence: intron variant. On other transcripts: missense variant (1).
Genome position (GRCh38, 1-based): chr6:24,847,590, A>T on the plus strand (T>A on the coding strand, the complement: RIPOR2 is on the minus strand). VCF-style: chr6-24847590-A-T. GRCh37 (hg19) VCF-style: chr6-24847818-A-T.
Other names: c.1179T>A (NM_014722.4); c.1179T>A, p.Ser393Arg (NM_014722.5); c.1077+435T>A (NM_001346031.2, NM_001346032.2, NM_015864.5 and 1 more transcripts); c.1179+435T>A (NM_001286446.3); short protein forms S393R.
Identifiers: ClinVar variation 3611547 (VCV003611547.3).

ClinVar aggregate classification (germline): Uncertain significance. Review status: criteria provided, multiple submitters, no conflicts (2 of 4 stars). 2 submissions from 2 submitters: Uncertain significance (2). Last evaluated 2025-08-18.

Conditions:
RIPOR2-related disorder. Also called: RIPOR2-related condition.

gnomAD v4.1: 85 of 1,551,626 alleles (0.0055%); highest among the groups gnomAD compares: Non-Finnish European, 0.0067%; no homozygotes.

Submissions (2):

Labcorp Genetics (formerly Invitae), Labcorp
Classification: Uncertain significance. Last evaluated: 2025-08-18. Review status: criteria provided, single submitter. Criteria: Invitae Variant Classification Sherloc (09022015). Collection method: clinical testing. Allele origin: germline.
Comment: This sequence change replaces serine, which is neutral and polar, with arginine, which is basic and polar, at codon 393 of the FAM65B protein (p.Ser393Arg). This variant is present in population databases (no rsID available, gnomAD 0.01%). This variant has not been reported in the literature in individuals affected with FAM65B-related conditions. ClinVar contains an entry for this variant (Variation ID: 3611547). An algorithm developed to predict the effect of missense changes on protein structure and function (PolyPhen-2) suggests that this variant is likely to be tolerated. In summary, the available evidence is currently insufficient to determine the role of this variant in disease. Therefore, it has been classified as a Variant of Uncertain Significance.

PreventionGenetics, part of Exact Sciences
Classification: Uncertain significance for RIPOR2-related condition. Last evaluated: 2025-03-11. Review status: criteria provided, single submitter. Criteria: ACMG Guidelines, 2015. Collection method: clinical testing. Allele origin: germline.
Comment: The RIPOR2 c.1179T>A variant is predicted to result in the amino acid substitution p.Ser393Arg. To our knowledge, this variant has not been reported in the literature. This variant is reported in 0.011% of alleles in individuals of European (Non-Finnish) descent in gnomAD. At this time, the clinical significance of this variant is uncertain due to the absence of conclusive functional and genetic evidence.